The following is an entry in ClinVar:

ClinVar aggregate classification (germline): Conflicting classifications of pathogenicity. Review status: criteria provided, conflicting classifications (1 of 4 stars). 9 submissions from 9 submitters: Uncertain significance (2); Benign (2); Likely benign (4). 1 of the submissions does not count toward it. Last evaluated 2026-01-20.

Conditions:
Classic or attenuated familial adenomatous polyposis. Identifiers: MedGen CN372698, MONDO:0021057.
Hereditary cancer-predisposing syndrome. Also called: Neoplastic Syndromes, Hereditary; Tumor predisposition; Hereditary Cancer Syndrome; Hereditary neoplastic syndrome. Identifiers: Orphanet 140162, MedGen C0027672, MeSH D009386, MONDO:0015356.
Ovarian cancer. Also called: OVARIAN CANCER, SOMATIC. Identifiers: Orphanet 213500, MedGen C1140680, MONDO:0008170, OMIM 167000.
Familial adenomatous polyposis 1 (FAP1). Also called: FAMILIAL ADENOMATOUS POLYPOSIS 1, ATTENUATED; POLYPOSIS, ADENOMATOUS INTESTINAL. Identifiers: MedGen C2713442, MONDO:0021056, OMIM 175100. Disease mechanism: loss of function.

Allele frequency attached by ClinVar (database versions not stated): gnomAD exomes 0.00001 and 0.00005; ExAC 0.00003; TOPMed 0.00003; gnomAD 0.00004 and 0.00005; 1000 Genomes Project 30x 0.00016; 1000 Genomes Project 0.00020.
gnomAD v4.1: 23 of 1,614,070 alleles (0.0014%); highest among the groups gnomAD compares: East Asian, 0.047%; no homozygotes.

Submissions (9):

Labcorp Genetics (formerly Invitae), Labcorp
Classification: Likely benign for Familial adenomatous polyposis 1. Last evaluated: 2026-01-20. Review status: criteria provided, single submitter. Criteria: Invitae Variant Classification Sherloc (09022015). Collection method: clinical testing. Allele origin: germline.

Color Diagnostics, LLC DBA Color Health
Classification: Likely benign for Hereditary cancer-predisposing syndrome. Last evaluated: 2025-11-24. Review status: criteria provided, single submitter. Criteria: ACMG Guidelines, 2015. Collection method: clinical testing. Allele origin: germline.

All of Us Research Program, National Institutes of Health
Classification: Uncertain significance for Classic or attenuated familial adenomatous polyposis. Last evaluated: 2024-04-16. Review status: criteria provided, single submitter. Criteria: ACMG Guidelines, 2015. Collection method: clinical testing. Allele origin: germline. Inheritance: Autosomal dominant inheritance. Observed: 5 variant alleles, 5 heterozygotes.
Comment: This missense variant replaces valine with alanine at codon 1352 of the APC protein. Computational prediction suggests that this variant may not impact protein structure and function (internally defined REVEL score threshold <= 0.5, PMID: 27666373). Splice site prediction tools suggest that this variant may not impact RNA splicing. To our knowledge, functional studies have not been performed for this variant. This variant has been reported in individuals affected with colorectal cancer, non-medullary thyroid cancer, and colorectal adenomas (PMID: 18199528, 26530882, 27121310, 29069792). This variant has also been identified in 17/282154 chromosomes (17/19940 East Asian chromosomes) in the general population by the Genome Aggregation Database (gnomAD) and has been reported in non-cancer Korean cohort (PMID: 28706299). The available evidence is insufficient to determine the role of this variant in disease conclusively. Therefore, this variant is classified as a Variant of Uncertain Significance.

This study involves interpretation of variants in research participants for the purpose of population health screening. Participant phenotype was not available at the time of variant classification. Additional details can be found in publication PMID: 35346344, PMCID: PMC8962531

Myriad Genetics, Inc.
Classification: Likely benign for Familial adenomatous polyposis 1. Last evaluated: 2023-02-21. Review status: criteria provided, single submitter. Criteria: Myriad Autosomal Dominant, Autosomal Recessive and X-Linked Classification Criteria (2023). Collection method: clinical testing. Allele origin: unknown.
Comment: This variant is considered likely benign. This variant has been observed at a population frequency that is significantly greater than expected given the associated disease prevalence and penetrance.

Laboratory of Molecular Epidemiology of Birth Defects, West China Second University Hospital, Sichuan University
Classification: Benign for Ovarian cancer. Last evaluated: 2022-01-01. Review status: criteria provided, single submitter. Criteria: ACMG Guidelines, 2015. Collection method: clinical testing. Allele origin: germline. Affected: yes.

Ambry Genetics
Classification: Benign for Hereditary cancer-predisposing syndrome. Last evaluated: 2021-05-21. Review status: criteria provided, single submitter. Criteria: Ambry Variant Classification Scheme 2023. Collection method: clinical testing. Allele origin: germline.

GeneDx
Classification: Likely benign. Last evaluated: 2018-05-02. Review status: criteria provided, single submitter. Criteria: GeneDx Variant Classification Process June 2021. Collection method: clinical testing. Allele origin: germline. Affected: yes.
Comment: This variant is associated with the following publications: (PMID: 21859464, 18199528, 29069792, 27121310)

Quest Diagnostics Nichols Institute San Juan Capistrano
Classification: Uncertain significance. Last evaluated: 2017-03-25. Review status: criteria provided, single submitter. Criteria: Quest Diagnostics criteria. Collection method: clinical testing. Allele origin: germline.

Counsyl
Classification: Uncertain significance for Familial adenomatous polyposis 1. Last evaluated: 2017-07-05. Review status: no assertion criteria provided. Collection method: clinical testing. Allele origin: unknown. Not counted in ClinVar's aggregate classification.

Literature cited by the submitters: PubMed 18199528 (cited by 3 submitters); PubMed 26530882 (cited by 3 submitters); PubMed 27121310 (cited by 4 submitters); PubMed 28706299 (cited by All of Us Research Program, National Institutes of Health); PubMed 29069792 (cited by All of Us Research Program, National Institutes of Health); PubMed 19307944 (cited by Ambry Genetics); PubMed 31062380 (cited by Ambry Genetics); PubMed 21859464 (cited by Quest Diagnostics Nichols Institute San Juan Capistrano).

NM_000038.6(APC):c.4055T>C (p.Val1352Ala)

Gene: APC (APC regulator of Wnt signaling pathway; plus strand). Cytogenetic location: 5q22.2.
Variant type: single nucleotide variant.
Coding change: c.4055T>C on transcript NM_000038.6 (MANE Select); coding-DNA position 4055, T replaced by C.
Protein change: p.Val1352Ala; replaces valine 1352 with alanine.
Molecular consequence: missense variant.
Genome position (GRCh38, 1-based): chr5:112,839,649, T>C. VCF-style: chr5-112839649-T-C. GRCh37 (hg19) VCF-style: chr5-112175346-T-C.
Other names: c.4055T>C, p.Val1352Ala (NM_001127510.3, NM_001354895.2); c.4001T>C, p.Val1334Ala (NM_001127511.3); c.4109T>C, p.Val1370Ala (NM_001354896.2); c.4085T>C, p.Val1362Ala (NM_001354897.2); c.3980T>C, p.Val1327Ala (NM_001354898.2); c.3971T>C, p.Val1324Ala (NM_001354899.2); c.3932T>C, p.Val1311Ala (NM_001354900.2); c.3878T>C, p.Val1293Ala (NM_001354901.2); and 5 more; short protein forms V1334A, V1352A, V1324A, V1327A, V1192A, V1251A, V1261A, V1370A.
Identifiers: ClinVar variation 140890 (VCV000140890.30), dbSNP rs528724202, ClinGen allele CA008875.